The following is an entry in ClinVar:

ClinVar aggregate classification (germline): Uncertain significance (1 of 4 stars; one submission).

Conditions:
Severe combined immunodeficiency due to IKK2 deficiency. Also called: IMMUNODEFICIENCY 15B; Immunodeficiency 15. Identifiers: Orphanet 397787, MedGen C4747743, MONDO:0014267, OMIM 615592.

Submission:

Labcorp Genetics (formerly Invitae), Labcorp
Classification: Uncertain significance for Severe combined immunodeficiency due to IKK2 deficiency. Last evaluated: 2021-08-24. Review status: criteria provided, single submitter. Criteria: Invitae Variant Classification Sherloc (09022015). Collection method: clinical testing. Allele origin: germline.
Comment: This variant, c.2224_2232dup, results in the insertion of 3 amino acid(s) to the IKBKB protein (p.Leu742_Thr744dup), but otherwise preserves the integrity of the reading frame. This variant is not present in population databases (ExAC no frequency). This variant has not been reported in the literature in individuals affected with IKBKB-related conditions. Experimental studies and prediction algorithms are not available or were not evaluated, and the functional significance of this variant is currently unknown. In summary, the available evidence is currently insufficient to determine the role of this variant in disease. Therefore, it has been classified as a Variant of Uncertain Significance.

NM_001556.3(IKBKB):c.2224_2232dup (p.Leu742_Thr744dup)

Gene: IKBKB (inhibitor of nuclear factor kappa B kinase subunit beta; plus strand). Cytogenetic location: 8p11.21.
Variant type: Duplication.
Coding change: c.2224_2232dup on transcript NM_001556.3 (MANE Select); coding-DNA positions 2224 to 2232, 9 bases duplicated (TTACAGACG; older notation c.2224_2232dupTTACAGACG).
Protein change: p.Leu742_Thr744dup.
Molecular consequence: inframe insertion. On other transcripts: non-coding transcript variant (3).
Genome position (GRCh38, 1-based): chr8:42,330,932-42,330,940, TTACAGACG duplicated; duplicating any 9 consecutive bases within chr8:42,330,931-42,330,940 gives the same sequence; the c. name uses the placement nearest the transcript's 3' end. VCF-style (leftmost placement, unchanged base first): chr8-42330930-G-GGTTACAGAC. GRCh37 (hg19) VCF-style: chr8-42188448-G-GGTTACAGAC.
Other names: c.2032_2040dup, p.Leu678_Thr680dup (NM_001190720.3); c.2047_2055dup, p.Leu683_Thr685dup (NM_001242778.2).
Identifiers: ClinVar variation 954741 (VCV000954741.4), dbSNP rs1821622693, ClinGen allele CA1139660467.